The following is an entry in ClinVar:

NM_001286445.3(RIPOR2):c.2952+9C>T

Gene: RIPOR2 (RHO family interacting cell polarization regulator 2; minus strand). Cytogenetic location: 6p22.3.
Variant type: single nucleotide variant.
Coding change: c.2952+9C>T on transcript NM_001286445.3 (MANE Select); 9 bases into the intron after coding-DNA position 2952, C replaced by T.
Molecular consequence: intron variant.
Genome position (GRCh38, 1-based): chr6:24,818,533, G>A on the plus strand (C>T on the coding strand, the complement: RIPOR2 is on the minus strand). VCF-style: chr6-24818533-G-A. GRCh37 (hg19) VCF-style: chr6-24818761-G-A.
Other names: c.2865+9C>T (NM_001346031.2, NM_001346032.2); c.3015+9C>T (NM_014722.5).
Identifiers: ClinVar variation 514332 (VCV000514332.10), dbSNP rs201973235, ClinGen allele CA3659057.
Genomic context (GRCh38, chr6:24,818,533, plus strand): 5'-TGTTATATACACTCAGCTTAGCCTGGCTCCAAGCTGAGCTGCCAGGGGAGCTCCAAGGCT[G>A]GGCTTTACCTCAAGGATTTTCAGAGCCAGGCAAGCTGCTTTCTGGAGCTGGAGGTTTGTC-3'

ClinVar aggregate classification (germline): Benign/Likely benign. Review status: criteria provided, multiple submitters, no conflicts (2 of 4 stars). 3 submissions from 3 submitters: Benign (1); Likely benign (2). Last evaluated 2025-12-14.

Allele frequency attached by ClinVar (database versions not stated): TOPMed 0.00034; gnomAD 0.00035 and 0.00039; ESP Exome Variant Server 0.00044; gnomAD exomes 0.00081; ExAC 0.00172.
gnomAD v4.1: 449 of 1,541,434 alleles (0.029%); highest among the groups gnomAD compares: East Asian, 0.02%; 1 homozygote.

Submissions (3):

Labcorp Genetics (formerly Invitae), Labcorp
Classification: Benign. Last evaluated: 2025-12-14. Review status: criteria provided, single submitter. Criteria: Invitae Variant Classification Sherloc (09022015). Collection method: clinical testing. Allele origin: germline.

Blueprint Genetics
Classification: Likely benign. Last evaluated: 2024-10-14. Review status: criteria provided, single submitter. Criteria: ACMG Guidelines, 2015. Collection method: clinical testing. Allele origin: germline.

GeneDx
Classification: Likely benign. Last evaluated: 2018-01-16. Review status: criteria provided, single submitter. Criteria: GeneDx Variant Classification (06012015). Collection method: clinical testing. Allele origin: germline. Affected: yes.
Comment: This variant is considered likely benign or benign based on one or more of the following criteria: it is a conservative change, it occurs at a poorly conserved position in the protein, it is predicted to be benign by multiple in silico algorithms, and/or has population frequency not consistent with disease.